The following is an entry in ClinVar:

ClinVar aggregate classification (germline): Uncertain significance. Review status: criteria provided, multiple submitters, no conflicts (2 of 4 stars). 2 submissions from 2 submitters: Uncertain significance (2). Last evaluated 2024-08-28.

Conditions:
Werner syndrome (WRN). Identifiers: Orphanet 902, MedGen C0043119, MONDO:0010196, OMIM 277700.

Allele frequency attached by ClinVar (database versions not stated): gnomAD exomes below 0.00001; TOPMed below 0.00001.
gnomAD v4.1: 1 of 1,614,192 alleles (0.000062%); highest among the groups gnomAD compares: Non-Finnish European, 0.000085%; no homozygotes.

Submissions (2):

Labcorp Genetics (formerly Invitae), Labcorp
Classification: Uncertain significance for Werner syndrome. Last evaluated: 2024-08-28. Review status: criteria provided, single submitter. Criteria: Invitae Variant Classification Sherloc (09022015). Collection method: clinical testing. Allele origin: germline.
Comment: This sequence change replaces phenylalanine, which is neutral and non-polar, with cysteine, which is neutral and slightly polar, at codon 964 of the WRN protein (p.Phe964Cys). This variant is not present in population databases (gnomAD no frequency). This variant has not been reported in the literature in individuals affected with WRN-related conditions. ClinVar contains an entry for this variant (Variation ID: 458434). An algorithm developed to predict the effect of missense changes on protein structure and function (PolyPhen-2) suggests that this variant is likely to be disruptive. In summary, the available evidence is currently insufficient to determine the role of this variant in disease. Therefore, it has been classified as a Variant of Uncertain Significance.

Blueprint Genetics
Classification: Uncertain significance. Last evaluated: 2022-06-05. Review status: criteria provided, single submitter. Criteria: ACMG Guidelines, 2015. Collection method: clinical testing. Allele origin: germline.

NM_000553.6(WRN):c.2891T>G (p.Phe964Cys)

Gene: WRN (WRN RecQ like helicase; plus strand). Cytogenetic location: 8p12.
Variant type: single nucleotide variant.
Coding change: c.2891T>G on transcript NM_000553.6 (MANE Select); coding-DNA position 2891, T replaced by G.
Protein change: p.Phe964Cys; replaces phenylalanine 964 with cysteine.
Molecular consequence: missense variant.
Genome position (GRCh38, 1-based): chr8:31,132,430, T>G. VCF-style: chr8-31132430-T-G. GRCh37 (hg19) VCF-style: chr8-30989946-T-G.
Other names: short protein forms F964C.
Identifiers: ClinVar variation 458434 (VCV000458434.4), dbSNP rs1554530895, ClinGen allele CA370919023.
Genomic context (GRCh38, chr8:31,132,430, plus strand): 5'-ATCATTGCTATTCCATGGATGACTCAGAGGATACATCCTGGGACTTTGGTCCACAAGCAT[T>G]TAAGCTTTTGTCTGCTGTGGACATCTTAGGCGAAAAATTTGGAATTGGGCTTCCAATTTT-3'
Protein context (NP_000544.2, residues 954-974): DTSWDFGPQA[Phe964Cys]KLLSAVDILG